The following is an entry in ClinVar:

ClinVar aggregate classification (germline): Pathogenic (1 of 4 stars; one submission).

Conditions:
Primary hyperoxaluria, type I (HP1). Also called: OXALOSIS I; Primary hyperoxaluria type 1; GLYCOLIC ACIDURIA; HEPATIC AGT DEFICIENCY. Identifiers: Orphanet 416, Orphanet 93598, MedGen C0268164, MONDO:0009823, OMIM 259900. Disease mechanism: loss of function.

Submission:

Thalassemia Center, San Luigi University Hospital
Classification: Pathogenic for Primary hyperoxaluria, type I. Last evaluated: 2023-10-27. Review status: criteria provided, single submitter. Criteria: ACMG Guidelines, 2015. Collection method: clinical testing. Allele origin: germline. Affected: yes.
Comment: ACMG:PVS1 PM2 PP4

NM_000030.3(AGXT):c.716_718del (p.Ser239del)

Gene: AGXT (alanine--glyoxylate aminotransferase; plus strand). Cytogenetic location: 2q37.3.
Variant type: Deletion.
Coding change: c.716_718del on transcript NM_000030.3 (MANE Select); coding-DNA positions 716 to 718, 3 bases deleted (CCT; older notation c.716_718delCCT).
Protein change: p.Ser239del; deletes serine 239.
Molecular consequence: inframe deletion.
Genome position (GRCh38, 1-based): chr2:240,875,144-240,875,146, CCT deleted; deleting any 3 consecutive bases within chr2:240,875,142-240,875,146 gives the same sequence; the c. name uses the placement nearest the transcript's 3' end. VCF-style (leftmost placement, unchanged base first): chr2-240875141-TCTC-T. GRCh37 (hg19) VCF-style: chr2-241814558-TCTC-T.
Other names: short protein forms S239del.
Identifiers: ClinVar variation 2671857 (VCV002671857.1), dbSNP rs2528756014, ClinGen allele CA2695197716.